The following is an entry in ClinVar:

NM_002474.3(MYH11):c.2841G>T (p.Lys947Asn)

Gene: MYH11 (myosin heavy chain 11; minus strand). Cytogenetic location: 16p13.11.
Variant type: single nucleotide variant.
Coding change: c.2841G>T on transcript NM_002474.3 (MANE Select); coding-DNA position 2841, G replaced by T.
Protein change: p.Lys947Asn; replaces lysine 947 with asparagine.
Molecular consequence: missense variant.
Genome position (GRCh38, 1-based): chr16:15,741,481, C>A on the plus strand (G>T on the coding strand, the complement: MYH11 is on the minus strand). VCF-style: chr16-15741481-C-A. GRCh37 (hg19) VCF-style: chr16-15835338-C-A.
Other names: c.2862G>T, p.Lys954Asn (NM_001040113.2, NM_001040114.2); c.2841G>T, p.Lys947Asn (NM_022844.3); short protein forms K954N, K947N.
Identifiers: ClinVar variation 238260 (VCV000238260.12), dbSNP rs878854164, ClinGen allele CA10583276.

ClinVar aggregate classification (germline): Uncertain significance. Review status: criteria provided, multiple submitters, no conflicts (2 of 4 stars). 4 submissions from 4 submitters: Uncertain significance (4). Last evaluated 2026-01-10.

Conditions:
Familial thoracic aortic aneurysm and aortic dissection (TAAD). Also called: Thoracic aortic aneurysms and dissections. Identifiers: Orphanet 91387, MedGen C4707243, MONDO:0019625.
Aortic aneurysm, familial thoracic 4 (AAT4). Also called: AORTIC ANEURYSM/AORTIC DISSECTION AND PATENT DUCTUS ARTERIOSUS. Identifiers: MedGen C1851504, MONDO:0007568, OMIM 132900.

Allele frequency attached by ClinVar (database versions not stated): gnomAD exomes 0.00001; TOPMed 0.00001.
gnomAD v4.1: 3 of 1,608,538 alleles (0.00019%); highest among the groups gnomAD compares: Non-Finnish European, 0.00025%; no homozygotes.

Submissions (4):

Ambry Genetics
Classification: Uncertain significance for Familial thoracic aortic aneurysm and aortic dissection. Last evaluated: 2026-01-10. Review status: criteria provided, single submitter. Criteria: Ambry Variant Classification Scheme 2023. Collection method: clinical testing. Allele origin: germline.
Comment: The p.K947N variant (also known as c.2841G>T), located in coding exon 21 of the MYH11 gene, results from a G to T substitution at nucleotide position 2841. The lysine at codon 947 is replaced by asparagine, an amino acid with similar properties. This amino acid position is conserved. In addition, the in silico prediction for this alteration is inconclusive. Based on the available evidence, the clinical significance of this variant remains unclear.

Labcorp Genetics (formerly Invitae), Labcorp
Classification: Uncertain significance for Aortic aneurysm, familial thoracic 4. Last evaluated: 2023-09-07. Review status: criteria provided, single submitter. Criteria: Invitae Variant Classification Sherloc (09022015). Collection method: clinical testing. Allele origin: germline.
Comment: Advanced modeling of protein sequence and biophysical properties (such as structural, functional, and spatial information, amino acid conservation, physicochemical variation, residue mobility, and thermodynamic stability) performed at Invitae indicates that this missense variant is not expected to disrupt MYH11 protein function. ClinVar contains an entry for this variant (Variation ID: 238260). This variant has not been reported in the literature in individuals affected with MYH11-related conditions. This variant is not present in population databases (gnomAD no frequency). This sequence change replaces lysine, which is basic and polar, with asparagine, which is neutral and polar, at codon 954 of the MYH11 protein (p.Lys954Asn). In summary, the available evidence is currently insufficient to determine the role of this variant in disease. Therefore, it has been classified as a Variant of Uncertain Significance.

All of Us Research Program, National Institutes of Health
Classification: Uncertain significance for Familial thoracic aortic aneurysm and aortic dissection. Last evaluated: 2023-06-28. Review status: criteria provided, single submitter. Criteria: ACMG Guidelines, 2015. Collection method: clinical testing. Allele origin: germline. Inheritance: Autosomal dominant inheritance. Observed: 1 variant allele, 1 heterozygote.
Comment: This study involves interpretation of variants in research participants for the purpose of population health screening. Participant phenotype was not available at the time of variant classification. Additional details can be found in publication PMID: 35346344, PMCID: PMC8962531

Illumina Laboratory Services, Illumina
Classification: Uncertain significance for Aortic aneurysm, familial thoracic 4. Last evaluated: 2018-01-13. Review status: criteria provided, single submitter. Criteria: ICSL Variant Classification Criteria 13 December 2019. Collection method: clinical testing. Allele origin: germline.